The following is an entry in ClinVar:

NC_000022.11:g.40346083C>G

Gene: ADSL (adenylosuccinate lyase; plus strand). Cytogenetic location: 22q13.1.
Variant type: single nucleotide variant.
Genome position: GRCh38 VCF-style: chr22-40346083-C-G. GRCh37 (hg19) VCF-style: chr22-40742087-C-G.
Identifiers: ClinVar variation 2015260 (VCV002015260.2), dbSNP rs2518075446, ClinGen allele CA2580099837.

ClinVar aggregate classification (germline): Uncertain significance (1 of 4 stars; one submission).

Conditions:
Adenylosuccinate lyase deficiency (ADSLD). Also called: ADSL DEFICIENCY. Identifiers: Orphanet 46, MedGen C0268126, MONDO:0007068, OMIM 103050.

Submission:

Labcorp Genetics (formerly Invitae), Labcorp
Classification: Uncertain significance for Adenylosuccinate lyase deficiency. Last evaluated: 2022-07-09. Review status: criteria provided, single submitter. Criteria: Invitae Variant Classification Sherloc (09022015). Collection method: clinical testing. Allele origin: germline.
Comment: This variant occurs in a non-coding region of the ADSL gene. It does not change the encoded amino acid sequence of the ADSL protein. This variant is not present in population databases (gnomAD no frequency). This variant has not been reported in the literature in individuals affected with ADSL-related conditions. Experimental studies and prediction algorithms are not available or were not evaluated, and the functional significance of this variant is currently unknown. In summary, the available evidence is currently insufficient to determine the role of this variant in disease. Therefore, it has been classified as a Variant of Uncertain Significance.